The following is an entry in ClinVar:

ClinVar aggregate classification (germline): Uncertain significance. Review status: criteria provided, multiple submitters, no conflicts (2 of 4 stars). 2 submissions from 2 submitters: Uncertain significance (2). Last evaluated 2024-01-09.

Conditions:
Malignant hyperthermia, susceptibility to, 1 (MHS1). Also called: Anesthesia related hyperthermia; Malignant hyperpyrexia; Fulminating hyperpyrexia; Pharmacogenic myopathy; RYR1-Related Malignant Hyperthermia Susceptibility; Malignant hyperthermia suceptibility 1. Identifiers: Orphanet 423, MedGen C2930980, MONDO:0007783, OMIM 145600.

Submissions (2):

All of Us Research Program, National Institutes of Health
Classification: Uncertain significance for Malignant hyperthermia, susceptibility to, 1. Last evaluated: 2024-01-09. Review status: criteria provided, single submitter. Criteria: ACMG Guidelines, 2015. Collection method: clinical testing. Allele origin: germline. Inheritance: Autosomal dominant inheritance. Observed: 2 variant alleles, 2 heterozygotes.
Comment: This missense variant replaces methionine with lysine at codon 2790 of the RYR1 protein. Computational prediction suggests that this variant may have deleterious impact on protein structure and function (internally defined REVEL score threshold >= 0.7, PMID: 27666373). To our knowledge, functional studies have not been reported for this variant. This variant has not been reported in individuals affected with RYR1-related disorders in the literature. This variant has not been identified in the general population by the Genome Aggregation Database (gnomAD). The available evidence is insufficient to determine the role of this variant in disease conclusively. Therefore, this variant is classified as a Variant of Uncertain Significance.

This study involves interpretation of variants in research participants for the purpose of population health screening. Participant phenotype was not available at the time of variant classification. Additional details can be found in publication PMID: 35346344, PMCID: PMC8962531

GeneDx
Classification: Uncertain significance. Last evaluated: 2022-02-03. Review status: criteria provided, single submitter. Criteria: GeneDx Variant Classification Process June 2021. Collection method: clinical testing. Allele origin: germline. Affected: yes.
Comment: Has not been previously published as pathogenic or benign to our knowledge; Not observed at significant frequency in large population cohorts (gnomAD); In silico analysis supports that this missense variant has a deleterious effect on protein structure/function; This variant is associated with the following publications: (PMID: 12668474)

NM_000540.3(RYR1):c.8369T>A (p.Met2790Lys)

Genes: RYR1 (ryanodine receptor 1; plus strand), LOC126862902 (BRD4-independent group 4 enhancer GRCh37_chr19:38995830-38997029; plus strand). Cytogenetic location: 19q13.2.
Variant type: single nucleotide variant.
Coding change: c.8369T>A on transcript NM_000540.3 (MANE Select); coding-DNA position 8369, T replaced by A.
Protein change: p.Met2790Lys; replaces methionine 2790 with lysine.
Molecular consequence: missense variant.
Genome position (GRCh38, 1-based): chr19:38,505,367, T>A. VCF-style: chr19-38505367-T-A. GRCh37 (hg19) VCF-style: chr19-38996007-T-A.
Other names: c.8369T>A, p.Met2790Lys (NM_001042723.2); short protein forms M2790K.
Identifiers: ClinVar variation 1700318 (VCV001700318.3), dbSNP rs2145631700, ClinGen allele CA405677638.